The following is an entry in ClinVar:

ClinVar aggregate classification (germline): Uncertain significance (1 of 4 stars; one submission).

Conditions:
Frontotemporal dementia and/or amyotrophic lateral sclerosis 1 (FTDALS1). Also called: Frontotemporal dementia with motor neuron disease 1; C9orf72 Frontotemporal Dementia and/or Amyotrophic Lateral Sclerosis. Identifiers: Orphanet 275872, MedGen C5779877, MONDO:0007105, OMIM 105550.
Paget disease of bone 2, early-onset (PDB2). Also called: Paget disease of bone 2. Identifiers: MedGen C4085251, MONDO:0011183, OMIM 602080.

Submission:

Labcorp Genetics (formerly Invitae), Labcorp
Classification: Uncertain significance for Paget disease of bone 2, early-onset; Frontotemporal dementia and/or amyotrophic lateral sclerosis 1. Last evaluated: 2022-02-03. Review status: criteria provided, single submitter. Criteria: Invitae Variant Classification Sherloc (09022015). Collection method: clinical testing. Allele origin: germline.
Comment: Algorithms developed to predict the effect of missense changes on protein structure and function (SIFT, PolyPhen-2, Align-GVGD) all suggest that this variant is likely to be tolerated. In summary, the available evidence is currently insufficient to determine the role of this variant in disease. Therefore, it has been classified as a Variant of Uncertain Significance. ClinVar contains an entry for this variant (Variation ID: 542160). This variant has not been reported in the literature in individuals affected with SQSTM1-related conditions. This variant is not present in population databases (gnomAD no frequency). This sequence change replaces aspartic acid, which is acidic and polar, with asparagine, which is neutral and polar, at codon 336 of the SQSTM1 protein (p.Asp336Asn).

NM_003900.5(SQSTM1):c.1006G>A (p.Asp336Asn)

Gene: SQSTM1 (sequestosome 1; plus strand). Cytogenetic location: 5q35.3.
Variant type: single nucleotide variant.
Coding change: c.1006G>A on transcript NM_003900.5 (MANE Select); coding-DNA position 1006, G replaced by A.
Protein change: p.Asp336Asn; replaces aspartic acid 336 with asparagine.
Molecular consequence: missense variant.
Genome position (GRCh38, 1-based): chr5:179,833,623, G>A. VCF-style: chr5-179833623-G-A. GRCh37 (hg19) VCF-style: chr5-179260623-G-A.
Other names: c.754G>A, p.Asp252Asn (NM_001142298.2, NM_001142299.2); short protein forms D336N, D252N.
Identifiers: ClinVar variation 542160 (VCV000542160.8), dbSNP rs1554091442, ClinGen allele CA362452444.